The following is an entry in ClinVar:

ClinVar aggregate classification (germline): Uncertain significance. Review status: criteria provided, multiple submitters, no conflicts (2 of 4 stars). 4 submissions from 4 submitters: Uncertain significance (4). Last evaluated 2026-01-22.

Conditions:
Inborn genetic diseases. Identifiers: MedGen C0950123, MeSH D030342.

Allele frequency attached by ClinVar (database versions not stated): ExAC 0.00001; gnomAD 0.00001 and 0.00002; TOPMed 0.00002; gnomAD exomes 0.00003 and 0.00005.

Submissions (4):

Women's Health and Genetics/Laboratory Corporation of America, LabCorp
Classification: Uncertain significance. Last evaluated: 2026-01-22. Review status: criteria provided, single submitter. Criteria: LabCorp Variant Classification Summary - May 2015. Collection method: clinical testing. Allele origin: germline.

Ambry Genetics
Classification: Uncertain significance for Inborn genetic diseases. Last evaluated: 2025-04-29. Review status: criteria provided, single submitter. Criteria: Ambry Variant Classification Scheme 2023. Collection method: clinical testing. Allele origin: germline.

Labcorp Genetics (formerly Invitae), Labcorp
Classification: Uncertain significance. Last evaluated: 2025-04-03. Review status: criteria provided, single submitter. Criteria: Invitae Variant Classification Sherloc (09022015). Collection method: clinical testing. Allele origin: germline.
Comment: This sequence change replaces tyrosine, which is neutral and polar, with serine, which is neutral and polar, at codon 646 of the CFB protein (p.Tyr646Ser). This variant is present in population databases (rs776912216, gnomAD 0.005%). This variant has not been reported in the literature in individuals affected with CFB-related conditions. ClinVar contains an entry for this variant (Variation ID: 1478248). Invitae Evidence Modeling of protein sequence and biophysical properties (such as structural, functional, and spatial information, amino acid conservation, physicochemical variation, residue mobility, and thermodynamic stability) indicates that this missense variant is not expected to disrupt CFB protein function with a negative predictive value of 80%. In summary, the available evidence is currently insufficient to determine the role of this variant in disease. Therefore, it has been classified as a Variant of Uncertain Significance.

Blueprint Genetics
Classification: Uncertain significance. Last evaluated: 2024-05-06. Review status: criteria provided, single submitter. Criteria: ACMG Guidelines, 2015. Collection method: clinical testing. Allele origin: germline.

NM_001710.6(CFB):c.1937A>C (p.Tyr646Ser)

Gene: CFB (complement factor B; plus strand). Cytogenetic location: 6p21.33.
Variant type: single nucleotide variant.
Coding change: c.1937A>C on transcript NM_001710.6 (MANE Select); coding-DNA position 1937, A replaced by C.
Protein change: p.Tyr646Ser; replaces tyrosine 646 with serine.
Molecular consequence: missense variant.
Genome position (GRCh38, 1-based): chr6:31,951,225, A>C. VCF-style: chr6-31951225-A-C. GRCh37 (hg19) VCF-style: chr6-31919002-A-C.
Other names: c.1937A>C (NM_001710.5); short protein forms Y646S.
Identifiers: ClinVar variation 1478248 (VCV001478248.9), dbSNP rs776912216, ClinGen allele CA3728497.
Genomic context (GRCh38, chr6:31,951,225, plus strand): 5'-AGGATATCAAAGCTCTGTTTGTGTCTGAGGAGGAGAAAAAGCTGACTCGGAAGGAGGTCT[A>C]CATCAAGAATGGGGATAAGGTGAGAAACGGGCATCCTAAGGAGGCACTCTAGGCCCCAAT-3'
Protein context (NP_001701.2, residues 636-656): EEKKLTRKEV[Tyr646Ser]IKNGDKKGSC